The following is an entry in ClinVar:

NM_004500.4(HNRNPC):c.728del (p.Gly243fs)

Gene: HNRNPC (heterogeneous nuclear ribonucleoprotein C; minus strand). Cytogenetic location: 14q11.2.
Variant type: Deletion.
Coding change: c.728del on transcript NM_004500.4 (MANE Select); coding-DNA position 728, one base deleted (G; older notation c.728delG).
Protein change: p.Gly243fs; shifts the reading frame from glycine 243.
Molecular consequence: frameshift variant.
Genome position (GRCh38, 1-based): chr14:21,211,476, C deleted on the plus strand (G on the coding strand, the reverse complement: HNRNPC is on the minus strand); the first of 6 consecutive C bases (chr14:21,211,476-21,211,481); deleting any one gives the same sequence. VCF-style (leftmost placement, unchanged base first): chr14-21211475-AC-A. GRCh37 (hg19) VCF-style: chr14-21679634-AC-A.
Other names: c.767del, p.Gly256fs (NM_001077442.2, NM_031314.3); c.728del, p.Gly243fs (NM_001077443.2); short protein forms G243fs, G256fs.
Identifiers: ClinVar variation 4084484 (VCV004084484.8).
Genomic context (GRCh38, chr14:21,211,475, plus strand): 5'-CCCCCGATCTTCATTATCATCATCATCCAGTAGGTCCCCCTCCTCAGCAGAGTCATCTGC[AC>A]CCCCCTCAGACTCCATCTTCACATTAGTCTCATCTTTCTTCACGGAGCTGCTGCTCTGCT-3'

ClinVar aggregate classification (germline): Uncertain significance (1 of 4 stars; one submission).

Submission:

CeGaT Center for Human Genetics Tuebingen
Classification: Uncertain significance. Last evaluated: 2025-09-01. Review status: criteria provided, single submitter. Criteria: CeGaT Center For Human Genetics Tuebingen Variant Classification Criteria Version 2. Collection method: clinical testing. Allele origin: germline. Affected: yes. Observed: 1 variant allele.
Comment: HNRNPC: PM2, PVS1:Supporting